The following is an entry in ClinVar:

NM_004863.4(SPTLC2):c.473G>A (p.Trp158Ter)

Gene: SPTLC2 (serine palmitoyltransferase long chain base subunit 2; minus strand). Cytogenetic location: 14q24.3.
Variant type: single nucleotide variant.
Coding change: c.473G>A on transcript NM_004863.4 (MANE Select); coding-DNA position 473, G replaced by A.
Protein change: p.Trp158Ter; replaces tryptophan 158 with a stop codon.
Molecular consequence: nonsense.
Genome position (GRCh38, 1-based): chr14:77,578,964, C>T on the plus strand (G>A on the coding strand, the complement: SPTLC2 is on the minus strand). VCF-style: chr14-77578964-C-T. GRCh37 (hg19) VCF-style: chr14-78045307-C-T.
Other names: short protein forms W158*.
Identifiers: ClinVar variation 2704445 (VCV002704445.3), dbSNP rs2503518439, ClinGen allele CA390700390.
Genomic context (GRCh38, chr14:77,578,964, plus strand): 5'-GAAGAAACCCTTTTGTAATTGTTGTCAAATAATTTCCCAACCAAGACTCACTTGAAGGAC[C>T]AGTTATAATCATGAGACTGTCTCTCCATGATGTCCACCCTGGCTCCAGGCACACTACAGA-3'

ClinVar aggregate classification (germline): Uncertain significance (1 of 4 stars; one submission).

Conditions:
Neuropathy, hereditary sensory and autonomic, type 1C. Also called: HSAN IC; HSN IC. Identifiers: Orphanet 36386, MedGen C3150896, MONDO:0013337, OMIM 613640.

Allele frequency attached by ClinVar (database versions not stated): gnomAD exomes below 0.00001.
gnomAD v4.1: 1 of 1,613,926 alleles (0.000062%); highest among the groups gnomAD compares: Non-Finnish European, 0.000085%; no homozygotes.

Submission:

Labcorp Genetics (formerly Invitae), Labcorp
Classification: Uncertain significance for Neuropathy, hereditary sensory and autonomic, type 1C. Last evaluated: 2023-12-20. Review status: criteria provided, single submitter. Criteria: Invitae Variant Classification Sherloc (09022015). Collection method: clinical testing. Allele origin: germline.
Comment: This sequence change creates a premature translational stop signal (p.Trp158*) in the SPTLC2 gene. It is expected to result in an absent or disrupted protein product. However, the current clinical and genetic evidence is not sufficient to establish whether loss-of-function variants in SPTLC2 cause disease. This variant is not present in population databases (gnomAD no frequency). This variant has not been reported in the literature in individuals affected with SPTLC2-related conditions. In summary, the available evidence is currently insufficient to determine the role of this variant in disease. Therefore, it has been classified as a Variant of Uncertain Significance.